The following is an entry in ClinVar:

NM_000393.5(COL5A2):c.2770-14_2770-11del

Gene: COL5A2 (collagen type V alpha 2 chain; minus strand). Cytogenetic location: 2q32.2.
Variant type: Microsatellite.
Coding change: c.2770-14_2770-11del on transcript NM_000393.5 (MANE Select); 14 bases into the intron before coding-DNA position 2770 through 11 bases into the intron before coding-DNA position 2770, 4 bases deleted (CTTT; older notation c.2770-14_2770-11delCTTT).
Molecular consequence: intron variant.
Genome position (GRCh38, 1-based): chr2:189,051,492-189,051,495, AAAG deleted on the plus strand (CTTT on the coding strand, the reverse complement: COL5A2 is on the minus strand); deleting any 4 consecutive bases within chr2:189,051,492-189,051,502 gives the same sequence; the c. name uses the placement nearest the transcript's 3' end. VCF-style (leftmost placement, unchanged base first): chr2-189051491-CAAAG-C. GRCh37 (hg19) VCF-style: chr2-189916217-CAAAG-C.
Other names: c.2770-14_2770-11delCTTT (NM_000393.5).
Identifiers: ClinVar variation 2996242 (VCV002996242.5), dbSNP rs1408611496, ClinGen allele CA430322691.
Genomic context (GRCh38, chr2:189,051,491, plus strand): 5'-AGGTCCCTCCTTCCCGGGTTCCCCTAGGGGTCCCGCAGGTCCTGGAGCTCCCTAGTATAA[CAAAG>C]AAAGAAACACCAAGGAGGGCAAAATGGAAGGCAAGTAAGAGTGATTGACATAACGCTGTC-3'

ClinVar aggregate classification (germline): Likely benign. Review status: criteria provided, multiple submitters, no conflicts (2 of 4 stars). 3 submissions from 3 submitters: Likely benign (3). Last evaluated 2025-09-13.

Conditions:
Ehlers-Danlos syndrome, classic type, 1 (EDSCL1). Also called: EHLERS-DANLOS SYNDROME, GRAVIS TYPE; EHLERS-DANLOS SYNDROME, SEVERE CLASSIC TYPE; EDS I; Ehlers-Danlos syndrome, type 1; Ehlers-Danlos Syndrome, Classic Type, COL5A1-Related. Identifiers: MedGen C0268335, MONDO:0019567, OMIM 130000.

Submissions (3):

Labcorp Genetics (formerly Invitae), Labcorp
Classification: Likely benign for Ehlers-Danlos syndrome, classic type, 1. Last evaluated: 2025-09-13. Review status: criteria provided, single submitter. Criteria: Invitae Variant Classification Sherloc (09022015). Collection method: clinical testing. Allele origin: germline.

Women's Health and Genetics/Laboratory Corporation of America, LabCorp
Classification: Likely benign. Last evaluated: 2025-07-23. Review status: criteria provided, single submitter. Criteria: LabCorp Variant Classification Summary - May 2015. Collection method: clinical testing. Allele origin: germline.
Comment: Variant summary: COL5A2 c.2770-14_2770-11delCTTT alters a nucleotide located at a position not widely known to affect splicing. Consensus agreement among computation tools predict no significant impact on normal splicing. However, these predictions have yet to be confirmed by functional studies. The variant allele was found at a frequency of 4.4e-06 in 229082 control chromosomes (gnomAD). To our knowledge, no occurrence of c.2770-14_2770-11delCTTT in individuals affected with Ehlers-Danlos syndrome, classic type, 2 and no experimental evidence demonstrating its impact on protein function have been reported. ClinVar contains an entry for this variant (Variation ID: 2996242). Based on the evidence outlined above, the variant was classified as likely benign.

Blueprint Genetics
Classification: Likely benign. Last evaluated: 2024-05-08. Review status: criteria provided, single submitter. Criteria: ACMG Guidelines, 2015. Collection method: clinical testing. Allele origin: germline.